The following is an entry in ClinVar:

NM_005546.4(ITK):c.1711A>G (p.Ile571Val)

Gene: ITK (IL2 inducible T cell kinase; plus strand). Cytogenetic location: 5q33.3.
Variant type: single nucleotide variant.
Coding change: c.1711A>G on transcript NM_005546.4 (MANE Select); coding-DNA position 1711, A replaced by G.
Protein change: p.Ile571Val; replaces isoleucine 571 with valine.
Molecular consequence: missense variant.
Genome position (GRCh38, 1-based): chr5:157,248,927, A>G. VCF-style: chr5-157248927-A-G. GRCh37 (hg19) VCF-style: chr5-156675937-A-G.
Other names: short protein forms I571V.
Identifiers: ClinVar variation 352475 (VCV000352475.10), dbSNP rs144950783, ClinGen allele CA3533173.

ClinVar aggregate classification (germline): Uncertain significance. Review status: criteria provided, multiple submitters, no conflicts (2 of 4 stars). 4 submissions from 4 submitters: Uncertain significance (4). Last evaluated 2023-07-05.

Conditions:
Lymphoproliferative syndrome 1 (LPFS1). Identifiers: Orphanet 238505, Orphanet 538963, MedGen C3552634, MONDO:0013081, OMIM 613011.
Inborn genetic diseases. Identifiers: MedGen C0950123, MeSH D030342.

Allele frequency attached by ClinVar (database versions not stated): TOPMed 0.00002; ExAC 0.00003; gnomAD 0.00004; ESP Exome Variant Server 0.00015.
gnomAD v4.1: 118 of 1,613,858 alleles (0.0073%); highest among the groups gnomAD compares: Non-Finnish European, 0.0097%; no homozygotes.

Submissions (4):

Ambry Genetics
Classification: Uncertain significance for Inborn genetic diseases. Last evaluated: 2023-07-05. Review status: criteria provided, single submitter. Criteria: Ambry Variant Classification Scheme 2023. Collection method: clinical testing. Allele origin: germline.

Labcorp Genetics (formerly Invitae), Labcorp
Classification: Uncertain significance for Lymphoproliferative syndrome 1. Last evaluated: 2021-10-19. Review status: criteria provided, single submitter. Criteria: Invitae Variant Classification Sherloc (09022015). Collection method: clinical testing. Allele origin: germline.
Comment: This sequence change replaces isoleucine with valine at codon 571 of the ITK protein (p.Ile571Val). The isoleucine residue is moderately conserved and there is a small physicochemical difference between isoleucine and valine. This variant is present in population databases (rs144950783, ExAC 0.006%). This variant has not been reported in the literature in individuals affected with ITK-related conditions. ClinVar contains an entry for this variant (Variation ID: 352475). Algorithms developed to predict the effect of missense changes on protein structure and function (SIFT, PolyPhen-2, Align-GVGD) all suggest that this variant is likely to be tolerated. Algorithms developed to predict the effect of sequence changes on RNA splicing suggest that this variant may create or strengthen a splice site. In summary, the available evidence is currently insufficient to determine the role of this variant in disease. Therefore, it has been classified as a Variant of Uncertain Significance.

Blueprint Genetics
Classification: Uncertain significance. Last evaluated: 2021-02-15. Review status: criteria provided, single submitter. Criteria: ACMG Guidelines, 2015. Collection method: clinical testing. Allele origin: germline.

Illumina Laboratory Services, Illumina
Classification: Uncertain significance for Lymphoproliferative syndrome 1. Last evaluated: 2018-01-13. Review status: criteria provided, single submitter. Criteria: ICSL Variant Classification Criteria 13 December 2019. Collection method: clinical testing. Allele origin: germline.